The following is an entry in ClinVar:

NM_025114.4(CEP290):c.2992T>G (p.Cys998Gly)

Gene: CEP290 (centrosomal protein 290; minus strand). Cytogenetic location: 12q21.32.
Variant type: single nucleotide variant.
Coding change: c.2992T>G on transcript NM_025114.4 (MANE Select); coding-DNA position 2992, T replaced by G.
Protein change: p.Cys998Gly; replaces cysteine 998 with glycine.
Molecular consequence: missense variant.
Genome position (GRCh38, 1-based): chr12:88,096,999, A>C on the plus strand (T>G on the coding strand, the complement: CEP290 is on the minus strand). VCF-style: chr12-88096999-A-C. GRCh37 (hg19) VCF-style: chr12-88490776-A-C.
Other names: short protein forms C998G.
Identifiers: ClinVar variation 1006450 (VCV001006450.11), dbSNP rs2037480137, ClinGen allele CA386007283.

ClinVar aggregate classification (germline): Uncertain significance. Review status: criteria provided, multiple submitters, no conflicts (2 of 4 stars). 2 submissions from 2 submitters: Uncertain significance (2). Last evaluated 2023-11-27.

Conditions:
Joubert syndrome. Also called: Familial aplasia of the vermis; CEREBELLOPARENCHYMAL DISORDER IV; JOUBERT-BOLTSHAUSER SYNDROME. Identifiers: Orphanet 475, MedGen C5979921, MONDO:0018772.
Meckel-Gruber syndrome. Also called: Dysencephalia splachnocystica; DYSENCEPHALIA SPLANCHNOCYSTICA; GRUBER SYNDROME. Identifiers: Orphanet 564, MedGen C0265215, MONDO:0018921.
Nephronophthisis. Also called: Juvenile Nephronophthisis. Identifiers: Orphanet 655, MedGen C0687120, MONDO:0019005, HP:0000090.

Submissions (2):

Labcorp Genetics (formerly Invitae), Labcorp
Classification: Uncertain significance for Joubert syndrome; Meckel-Gruber syndrome; Nephronophthisis. Last evaluated: 2023-11-27. Review status: criteria provided, single submitter. Criteria: Invitae Variant Classification Sherloc (09022015). Collection method: clinical testing. Allele origin: germline.
Comment: This sequence change replaces cysteine, which is neutral and slightly polar, with glycine, which is neutral and non-polar, at codon 998 of the CEP290 protein (p.Cys998Gly). This variant is not present in population databases (gnomAD no frequency). This variant has not been reported in the literature in individuals affected with CEP290-related conditions. ClinVar contains an entry for this variant (Variation ID: 1006450). An algorithm developed to predict the effect of missense changes on protein structure and function (PolyPhen-2) suggests that this variant is likely to be tolerated. In summary, the available evidence is currently insufficient to determine the role of this variant in disease. Therefore, it has been classified as a Variant of Uncertain Significance.

GeneDx
Classification: Uncertain significance. Last evaluated: 2019-08-12. Review status: criteria provided, single submitter. Criteria: GeneDx Variant Classification Process June 2021. Collection method: clinical testing. Allele origin: germline. Affected: yes.
Comment: Not observed in large population cohorts (Lek et al., 2016); In silico analysis, which includes protein predictors and evolutionary conservation, supports that this variant does not alter protein structure/function; Has not been previously published as pathogenic or benign to our knowledge